The following is an entry in ClinVar:

NM_001458.5(FLNC):c.2089G>C (p.Ala697Pro)

Gene: FLNC (filamin C; plus strand). Cytogenetic location: 7q32.1.
Variant type: single nucleotide variant.
Coding change: c.2089G>C on transcript NM_001458.5 (MANE Select); coding-DNA position 2089, G replaced by C.
Protein change: p.Ala697Pro; replaces alanine 697 with proline.
Molecular consequence: missense variant.
Genome position (GRCh38, 1-based): chr7:128,841,535, G>C. VCF-style: chr7-128841535-G-C. GRCh37 (hg19) VCF-style: chr7-128481589-G-C.
Other names: c.2089G>C, p.Ala697Pro (NM_001127487.2); short protein forms A697P.
Identifiers: ClinVar variation 5017513 (VCV005017513.1).

ClinVar aggregate classification (germline): Uncertain significance (1 of 4 stars; one submission).

Submission:

GeneDx
Classification: Uncertain significance. Last evaluated: 2026-03-30. Review status: criteria provided, single submitter. Criteria: GeneDx Variant Classification Process June 2021. Collection method: clinical testing. Allele origin: germline.
Comment: Not observed at significant frequency in large population cohorts (gnomAD); In silico analysis supports that this missense variant has a deleterious effect on protein structure/function; Has not been previously published as pathogenic or benign to our knowledge